The following is an entry in ClinVar:

ClinVar aggregate classification (germline): Conflicting classifications of pathogenicity. Review status: criteria provided, conflicting classifications (1 of 4 stars). 16 submissions from 15 submitters: Uncertain significance (1); Benign (12). 3 of the submissions do not count toward it. Last evaluated 2026-02-04.

Conditions:
Bardet-Biedl syndrome (BBS). Identifiers: Orphanet 110, MedGen C0752166, MONDO:0015229.
Bardet-Biedl syndrome 1 (BBS1). Identifiers: MedGen C2936862, MONDO:0008854, OMIM 209900. Disease mechanism: loss of function.
Early onset severe obesity. Identifiers: MedGen C4013980.
Bardet-Biedl syndrome 2 (BBS2). Identifiers: Orphanet 110, MedGen C2936863, MONDO:0014432, OMIM 615981.
Retinitis pigmentosa 74 (RP74). Identifiers: Orphanet 791, MedGen C4225281, MONDO:0014692, OMIM 616562.
Retinal dystrophy. Also called: Inherited retinal dystrophy. Identifiers: Orphanet 71862, MedGen C0854723, MeSH D058499, MONDO:0019118, HP:0000556.

Allele frequency attached by ClinVar (database versions not stated): gnomAD exomes 0.18641 and 0.21469; ESP Exome Variant Server 0.19544; gnomAD 0.20545 and 0.20775; ExAC 0.20924; TOPMed 0.21596; 1000 Genomes Project 30x 0.25984; 1000 Genomes Project 0.26358.
gnomAD v4.1: 304,683 of 1,613,704 alleles (19%); highest among the groups gnomAD compares: East Asian, 41%; 30,666 homozygotes.

Submissions (16):

Labcorp Genetics (formerly Invitae), Labcorp
Classification: Benign for Bardet-Biedl syndrome. Last evaluated: 2026-02-04. Review status: criteria provided, single submitter. Criteria: Invitae Variant Classification Sherloc (09022015). Collection method: clinical testing. Allele origin: germline.

Blueprint Genetics
Classification: Benign. Last evaluated: 2024-11-28. Review status: criteria provided, single submitter. Criteria: ACMG Guidelines, 2015. Collection method: clinical testing. Allele origin: germline.

Dept Of Ophthalmology, Nagoya University
Classification: Uncertain significance for Retinal dystrophy. Last evaluated: 2023-10-01. Review status: criteria provided, single submitter. Criteria: Submitter's publication. Collection method: research. Allele origin: germline. Affected: yes.

Cambridge Genomics Laboratory, East Genomic Laboratory Hub, NHS Genomic Medicine Service
Classification: Benign for Severe early-onset obesity. Last evaluated: 2023-08-03. Review status: criteria provided, single submitter. Criteria: ACGS Best Practice Guidelines for Variant Classification in Rare Disease 2020. Collection method: clinical testing. Allele origin: germline. Affected: yes.
Comment: The variant is observed in one or more well-documented healthy adults. (BS2 - Strong) | The p.(Ile123Val) variant is observed in 7.449/18.390 (40.5057%) alleles from individuals of gnomAD East Asian background in gnomAD All. The p.(Ile123Val) variant is observed in 1.320/5.008 (26.3578%) alleles from individuals of 1kG All background in 1kG All. The p.(Ile123Val) variant is observed in 2.076/5.174 (40.1237%) alleles from individuals of gnomAD Genomes v3 East Asian background in gnomAD Genomes v3, indicating it is a common benign variant. (BA1 - Standalone) | The p.(Ile123Val) variant is not predicted to introduce a novel splice site by any splice site algorithm. The p.(Ile123Val) missense variant is predicted to be tolerated by both SIFT or PolyPhen2. The valine residue at codon 123 of BBS2 is present in Tibetan antelope and 5 other mammalian species. The nucleotide c.367 in BBS2 is not conserved according to a GERP++ and PhyloP analysis of 100 vertebrates. (BP4 - Supporting)

Mayo Clinic Laboratories, Mayo Clinic
Classification: Benign. Last evaluated: 2022-11-15. Review status: criteria provided, single submitter. Criteria: ACMG Guidelines, 2015. Collection method: clinical testing. Allele origin: germline. Observed: 23 variant alleles.
Comment: BA1, BP4

Genome-Nilou Lab
Classification: Benign for Bardet-Biedl syndrome 2. Last evaluated: 2021-06-10. Review status: criteria provided, single submitter. Criteria: ACMG Guidelines, 2015. Collection method: clinical testing. Allele origin: germline. Affected: no.

Genome-Nilou Lab
Classification: Benign for Retinitis pigmentosa 74. Last evaluated: 2021-06-10. Review status: criteria provided, single submitter. Criteria: ACMG Guidelines, 2015. Collection method: clinical testing. Allele origin: germline. Affected: no.

GeneDx
Classification: Benign. Last evaluated: 2018-11-10. Review status: criteria provided, single submitter. Criteria: GeneDx Variant Classification Process June 2021. Collection method: clinical testing. Allele origin: germline. Affected: yes.
Comment: This variant is associated with the following publications: (PMID: 24746959, 20498079, 24400638)

Illumina Laboratory Services, Illumina
Classification: Benign for Bardet-Biedl syndrome 2. Last evaluated: 2018-01-13. Review status: criteria provided, single submitter. Criteria: ICSL Variant Classification Criteria 13 December 2019. Collection method: clinical testing. Allele origin: germline.
Comment: This variant was observed in the ICSL laboratory as part of a predisposition screen in an ostensibly healthy population. It had not been previously curated by ICSL or reported in the Human Gene Mutation Database (HGMD: prior to June 1st, 2018), and was therefore a candidate for classification through an automated scoring system. Utilizing variant allele frequency, disease prevalence and penetrance estimates, and inheritance mode, an automated score was calculated to assess if this variant is too frequent to cause the disease. Based on the score and internal cut-off values, a variant classified as benign is not then subjected to further curation. The score for this variant resulted in a classification of benign for this disease.

Athena Diagnostics
Classification: Benign for Bardet-Biedl syndrome 2. Last evaluated: 2017-06-02. Review status: criteria provided, single submitter. Criteria: Athena Diagnostics Criteria. Collection method: clinical testing. Allele origin: germline.

Clinical Genetics DNA and cytogenetics Diagnostics Lab, Erasmus MC, Erasmus Medical Center
Classification: Benign for Bardet-Biedl syndrome 1. Last evaluated: 2015-09-21. Review status: criteria provided, single submitter. Criteria: ACGS Guidelines, 2013. Collection method: clinical testing. Allele origin: germline. Affected: yes. Study: VKGL Data-share Consensus.

Breakthrough Genomics
Classification: Benign. Review status: criteria provided, single submitter. Criteria: ACMG Guidelines, 2015. Collection method: not provided. Allele origin: germline. Inheritance: Autosomal recessive inheritance. Affected: yes.

PreventionGenetics, part of Exact Sciences
Classification: Benign. Review status: criteria provided, single submitter. Criteria: ACMG Guidelines, 2015. Collection method: clinical testing. Allele origin: germline.

Natera, Inc.
Classification: Benign for Bardet-Biedl syndrome type 2. Last evaluated: 2020-09-16. Review status: no assertion criteria provided. Collection method: clinical testing. Allele origin: germline. Not counted in ClinVar's aggregate classification.

Diagnostic Laboratory, Department of Genetics, University Medical Center Groningen
Classification: Benign for Bardet-Biedl syndrome 1. Review status: no assertion criteria provided. Collection method: clinical testing. Allele origin: germline. Affected: yes. Study: VKGL Data-share Consensus. Not counted in ClinVar's aggregate classification.

Joint Genome Diagnostic Labs from Nijmegen and Maastricht, Radboudumc and MUMC+
Classification: Benign. Review status: no assertion criteria provided. Collection method: clinical testing. Allele origin: germline. Affected: yes. Study: VKGL Data-share Consensus. Not counted in ClinVar's aggregate classification.

NM_031885.5(BBS2):c.367A>G (p.Ile123Val)

Gene: BBS2 (Bardet-Biedl syndrome 2; minus strand). Cytogenetic location: 16q13.
Variant type: single nucleotide variant.
Coding change: c.367A>G on transcript NM_031885.5 (MANE Select); coding-DNA position 367, A replaced by G.
Protein change: p.Ile123Val; replaces isoleucine 123 with valine.
Molecular consequence: missense variant. On other transcripts: non-coding transcript variant (5).
Genome position (GRCh38, 1-based): chr16:56,511,263, T>C on the plus strand (A>G on the coding strand, the complement: BBS2 is on the minus strand). VCF-style: chr16-56511263-T-C. GRCh37 (hg19) VCF-style: chr16-56545175-T-C.
Other names: c.367A>G, p.Ile123Val (NM_001377456.1); short protein forms I123V.
Identifiers: ClinVar variation 261981 (VCV000261981.31), dbSNP rs11373, ClinGen allele CA8066062.